The following is an entry in ClinVar:

ClinVar aggregate classification (germline): Uncertain significance (1 of 4 stars; one submission).

Allele frequency attached by ClinVar (database versions not stated): gnomAD 0.00001; ExAC 0.00004; gnomAD exomes 0.00005.
gnomAD v4.1: 29 of 1,605,480 alleles (0.0018%); highest among the groups gnomAD compares: East Asian, 0.065%; no homozygotes.

Submission:

Labcorp Genetics (formerly Invitae), Labcorp
Classification: Uncertain significance. Last evaluated: 2024-03-07. Review status: criteria provided, single submitter. Criteria: Invitae Variant Classification Sherloc (09022015). Collection method: clinical testing. Allele origin: germline.
Comment: This sequence change replaces alanine, which is neutral and non-polar, with valine, which is neutral and non-polar, at codon 269 of the PCK2 protein (p.Ala269Val). This variant is present in population databases (rs767232536, gnomAD 0.02%). This variant has not been reported in the literature in individuals affected with PCK2-related conditions. ClinVar contains an entry for this variant (Variation ID: 2183740). Advanced modeling of protein sequence and biophysical properties (such as structural, functional, and spatial information, amino acid conservation, physicochemical variation, residue mobility, and thermodynamic stability) performed at Invitae indicates that this missense variant is not expected to disrupt PCK2 protein function with a negative predictive value of 80%. In summary, the available evidence is currently insufficient to determine the role of this variant in disease. Therefore, it has been classified as a Variant of Uncertain Significance.

NM_004563.4(PCK2):c.806C>T (p.Ala269Val)

Genes: NRL (neural retina leucine zipper; minus strand), PCK2 (phosphoenolpyruvate carboxykinase 2, mitochondrial; plus strand). Cytogenetic location: 14q11.2.
Variant type: single nucleotide variant.
Coding change: c.806C>T on transcript NM_004563.4 (MANE Select); coding-DNA position 806, C replaced by T.
Protein change: p.Ala269Val; replaces alanine 269 with valine.
Molecular consequence: missense variant. On other transcripts: intron variant (3).
Genome position (GRCh38, 1-based): chr14:24,099,190, C>T. VCF-style: chr14-24099190-C-T. GRCh37 (hg19) VCF-style: chr14-24568399-C-T.
Other names: c.404C>T, p.Ala135Val (NM_001308054.2, NM_001291556.2); c.-28+15532G>A (NM_001354768.3, NM_001354770.2); c.-253-14445G>A (NM_006177.5); c.806C>T, p.Ala269Val (NM_001018073.3); short protein forms A269V, A135V.
Identifiers: ClinVar variation 2183740 (VCV002183740.4), dbSNP rs767232536, ClinGen allele CA7123236.